The following is an entry in ClinVar:

NM_006904.7(PRKDC):c.6951C>T (p.Ala2317=)

Gene: PRKDC (protein kinase, DNA-activated, catalytic subunit; minus strand). Cytogenetic location: 8q11.21.
Variant type: single nucleotide variant.
Coding change: c.6951C>T on transcript NM_006904.7 (MANE Select); coding-DNA position 6951, C replaced by T.
Protein change: p.Ala2317=; no amino-acid change (alanine 2317 retained).
Molecular consequence: synonymous variant.
Genome position (GRCh38, 1-based): chr8:47,852,727, G>A on the plus strand (C>T on the coding strand, the complement: PRKDC is on the minus strand). VCF-style: chr8-47852727-G-A. GRCh37 (hg19) VCF-style: chr8-48765288-G-A.
Other names: c.6951C>T, p.Ala2317= (NM_001081640.2).
Identifiers: ClinVar variation 728391 (VCV000728391.32), dbSNP rs114463099, ClinGen allele CA4740219.

ClinVar aggregate classification (germline): Benign/Likely benign. Review status: criteria provided, multiple submitters, no conflicts (2 of 4 stars). 3 submissions from 3 submitters: Benign (1); Likely benign (2). Last evaluated 2026-06-01.

Conditions:
Severe combined immunodeficiency due to DNA-PKcs deficiency. Also called: Immunodeficiency 26 with or without neurologic abnormalities; IMMUNODEFICIENCY 26 WITH NEUROLOGIC ABNORMALITIES. Identifiers: Orphanet 317425, MedGen C4014833, MONDO:0014423, OMIM 615966.

Allele frequency attached by ClinVar (database versions not stated): gnomAD exomes 0.00008 and 0.00025; 1000 Genomes Project 0.00040; 1000 Genomes Project 30x 0.00062; ExAC 0.00085; TOPMed 0.00093; gnomAD 0.00098 and 0.00106; ESP Exome Variant Server 0.00126.
gnomAD v4.1: 273 of 1,581,432 alleles (0.017%); highest among the groups gnomAD compares: African/African-American, 0.32%; no homozygotes.

Submissions (3):

CeGaT Center for Human Genetics Tuebingen
Classification: Likely benign. Last evaluated: 2026-06-01. Review status: criteria provided, single submitter. Criteria: CeGaT Center For Human Genetics Tuebingen Variant Classification Criteria Version 2. Collection method: clinical testing. Allele origin: germline. Affected: yes. Observed: 2 variant alleles.
Comment: PRKDC: BP4, BP7

Labcorp Genetics (formerly Invitae), Labcorp
Classification: Benign for Severe combined immunodeficiency due to DNA-PKcs deficiency. Last evaluated: 2026-01-24. Review status: criteria provided, single submitter. Criteria: Invitae Variant Classification Sherloc (09022015). Collection method: clinical testing. Allele origin: germline.

Blueprint Genetics
Classification: Likely benign. Last evaluated: 2024-11-25. Review status: criteria provided, single submitter. Criteria: ACMG Guidelines, 2015. Collection method: clinical testing. Allele origin: germline.